The following is an entry in ClinVar:

ClinVar aggregate classification (germline): Uncertain significance (1 of 4 stars; one submission).

Submission:

GeneDx
Classification: Uncertain significance. Last evaluated: 2023-02-27. Review status: criteria provided, single submitter. Criteria: GeneDx Variant Classification Process June 2021. Collection method: clinical testing. Allele origin: germline. Affected: yes.
Comment: Not observed at significant frequency in large population cohorts (gnomAD); In-frame deletion of 1 amino acids in a non-repeat region; In silico analysis supports a deleterious effect on protein structure/function; Has not been previously published as pathogenic or benign to our knowledge; Located in the critical lever domain (Warren et al., 2007; Kansikas et al., 2011); This variant is associated with the following publications: (PMID: 17531815, 21120944)

NM_000179.3(MSH6):c.3064GAA[1] (p.Glu1023del)

Gene: MSH6 (mutS homolog 6; plus strand). Cytogenetic location: 2p16.3.
Variant type: Microsatellite.
Coding change: c.3064GAA[1] on transcript NM_000179.3 (MANE Select); one copy of the 3-base unit GAA starting at c.3064; the reference has two copies in a row; one copy, 3 bases deleted; also written c.3067_3069del.
Protein change: p.Glu1023del; deletes glutamic acid 1023.
Molecular consequence: inframe deletion. On other transcripts: inframe indel (2), non-coding transcript variant (5), intron variant (2).
Genome position (GRCh38, 1-based): chr2:47,801,050-47,801,052, GAA deleted; deleting any 3 consecutive bases within chr2:47,801,047-47,801,052 gives the same sequence; the position shown is the placement nearest the transcript's 3' end. VCF-style (leftmost placement, unchanged base first): chr2-47801046-TGAA-T. GRCh37 (hg19) VCF-style: chr2-48028185-TGAA-T.
Other names: c.3064_3066GAA[1], p.Glu1023del (NM_000179.2); c.2674GAA[1], p.Glu893del (NM_001281492.2); c.2158GAA[1], p.Glu721del (NM_001281493.2, NM_001281494.2, NM_001406811.1 and 6 more transcripts); c.3160GAA[1], p.Glu1055del (NM_001406795.1, NM_001406802.1); c.3064GAA[1], p.Glu1023del (NM_001406796.1, NM_001406798.1, NM_001406800.1 and 2 more transcripts); c.2767GAA[1], p.Glu924del (NM_001406797.1, NM_001406801.1, NM_001406805.1 and 10 more transcripts); c.2539GAA[1], p.Glu848del (NM_001406799.1, NM_001406806.1, NM_001406807.1); c.2986GAA[1], p.Glu997del (NM_001406804.1); and 6 more; short protein forms E1023del, E1025del, E1055del, E338del, E721del, E848del, E893del, E924del.
Identifiers: ClinVar variation 2577579 (VCV002577579.1), dbSNP rs2530711199, ClinGen allele CA2580617421.